The following is an entry in ClinVar:

ClinVar aggregate classification (germline): Likely benign. Review status: criteria provided, multiple submitters, no conflicts (2 of 4 stars). 5 submissions from 5 submitters: Likely benign (5). Last evaluated 2026-08-01.

Conditions:
Inborn genetic diseases. Identifiers: MedGen C0950123, MeSH D030342.

Allele frequency attached by ClinVar (database versions not stated): ExAC 0.00001; gnomAD exomes 0.00001; TOPMed 0.00002; gnomAD 0.00003; ESP Exome Variant Server 0.00008.
gnomAD v4.1: 21 of 1,612,346 alleles (0.0013%); highest among the groups gnomAD compares: Middle Eastern, 0.016%; no homozygotes.

Submissions (5):

CeGaT Center for Human Genetics Tuebingen
Classification: Likely benign. Last evaluated: 2026-08-01. Review status: criteria provided, single submitter. Criteria: CeGaT Center For Human Genetics Tuebingen Variant Classification Criteria Version 2. Collection method: clinical testing. Allele origin: germline. Affected: yes. Observed: 1 variant allele.
Comment: USH2A: BP4, BP7

Ambry Genetics
Classification: Likely benign for Inborn genetic diseases. Last evaluated: 2024-06-26. Review status: criteria provided, single submitter. Criteria: Ambry Variant Classification Scheme 2023. Collection method: clinical testing. Allele origin: germline.

Labcorp Genetics (formerly Invitae), Labcorp
Classification: Likely benign. Last evaluated: 2024-01-18. Review status: criteria provided, single submitter. Criteria: Invitae Variant Classification Sherloc (09022015). Collection method: clinical testing. Allele origin: germline.

Blueprint Genetics
Classification: Likely benign. Last evaluated: 2023-11-28. Review status: criteria provided, single submitter. Criteria: ACMG Guidelines, 2015. Collection method: clinical testing. Allele origin: germline.

Breakthrough Genomics
Classification: Likely benign. Review status: criteria provided, single submitter. Criteria: ACMG Guidelines, 2015. Collection method: not provided. Allele origin: germline. Inheritance: Autosomal recessive inheritance. Affected: yes.

NM_206933.4(USH2A):c.4377A>G (p.Ala1459=)

Gene: USH2A (usherin; minus strand). Cytogenetic location: 1q41.
Variant type: single nucleotide variant.
Coding change: c.4377A>G on transcript NM_206933.4 (MANE Select); coding-DNA position 4377, A replaced by G.
Protein change: p.Ala1459=; no amino-acid change (alanine 1459 retained).
Molecular consequence: synonymous variant.
Genome position (GRCh38, 1-based): chr1:216,190,242, T>C on the plus strand (A>G on the coding strand, the complement: USH2A is on the minus strand). VCF-style: chr1-216190242-T-C. GRCh37 (hg19) VCF-style: chr1-216363584-T-C.
Other names: c.4377A>G (NM_206933.2); c.4377A>G, p.Ala1459= (NM_007123.6).
Identifiers: ClinVar variation 1159924 (VCV001159924.13), dbSNP rs139709410, ClinGen allele CA1395742.